The following is an entry in ClinVar:

ClinVar aggregate classification (germline): Uncertain significance. Review status: criteria provided, multiple submitters, no conflicts (2 of 4 stars). 2 submissions from 2 submitters: Uncertain significance (2). Last evaluated 2024-08-06.

Allele frequency attached by ClinVar (database versions not stated): gnomAD 0.00001.
gnomAD v4.1: 1 of 1,614,092 alleles (0.000062%); highest among the groups gnomAD compares: Non-Finnish European, 0.000085%; no homozygotes.

Submissions (2):

Blueprint Genetics
Classification: Uncertain significance. Last evaluated: 2024-08-06. Review status: criteria provided, single submitter. Criteria: ACMG Guidelines, 2015. Collection method: clinical testing. Allele origin: germline.

Labcorp Genetics (formerly Invitae), Labcorp
Classification: Uncertain significance. Last evaluated: 2024-02-27. Review status: criteria provided, single submitter. Criteria: Invitae Variant Classification Sherloc (09022015). Collection method: clinical testing. Allele origin: germline.
Comment: This sequence change falls in intron 12 of the ATP2B2 gene. It does not directly change the encoded amino acid sequence of the ATP2B2 protein. It affects a nucleotide within the consensus splice site. This variant is not present in population databases (gnomAD no frequency). This variant has not been reported in the literature in individuals affected with ATP2B2-related conditions. ClinVar contains an entry for this variant (Variation ID: 1478323). Variants that disrupt the consensus splice site are a relatively common cause of aberrant splicing (PMID: 17576681, 9536098). Algorithms developed to predict the effect of sequence changes on RNA splicing suggest that this variant may disrupt the consensus splice site. In summary, the available evidence is currently insufficient to determine the role of this variant in disease. Therefore, it has been classified as a Variant of Uncertain Significance.

Literature cited by the submitters: PubMed 17576681 (cited by Labcorp Genetics (formerly Invitae), Labcorp); PubMed 9536098 (cited by Labcorp Genetics (formerly Invitae), Labcorp).

NM_001001331.4(ATP2B2):c.2316+5G>A

Gene: ATP2B2 (ATPase plasma membrane Ca2+ transporting 2; minus strand). Cytogenetic location: 3p25.3.
Variant type: single nucleotide variant.
Coding change: c.2316+5G>A on transcript NM_001001331.4 (MANE Select); 5 bases into the intron after coding-DNA position 2316, G replaced by A.
Molecular consequence: intron variant.
Genome position (GRCh38, 1-based): chr3:10,350,393, C>T on the plus strand (G>A on the coding strand, the complement: ATP2B2 is on the minus strand). VCF-style: chr3-10350393-C-T. GRCh37 (hg19) VCF-style: chr3-10392077-C-T.
Other names: c.2181+5G>A (NM_001353564.1, NM_001683.5, NM_001330611.3 and 1 more transcripts).
Identifiers: ClinVar variation 1478323 (VCV001478323.7), dbSNP rs2060546740, ClinGen allele CA1045013680.